The following is an entry in ClinVar:

ClinVar aggregate classification (germline): Uncertain significance. Review status: criteria provided, multiple submitters, no conflicts (2 of 4 stars). 7 submissions from 7 submitters: Uncertain significance (7). Last evaluated 2026-08-22.

Conditions:
DDX41-related disorder. Also called: DDX41-related condition.
Inborn genetic diseases. Identifiers: MedGen C0950123, MeSH D030342.
DDX41-related hematologic malignancy predisposition syndrome. Also called: Myeloproliferative/lymphoproliferative neoplasms, familial (multiple types), susceptibility to; DDX41-Associated Familial Myelodysplastic Syndrome and Acute Myeloid Leukemia. Identifiers: Orphanet 488647, MedGen C4225174, MONDO:0014809, OMIM 616871.

Allele frequency attached by ClinVar (database versions not stated): TOPMed 0.00008.
gnomAD v4.1: 211 of 1,591,986 alleles (0.013%); highest among the groups gnomAD compares: Non-Finnish European, 0.017%; no homozygotes.

Submissions (7):

PreventionGenetics, part of Exact Sciences
Classification: Uncertain significance for DDX41-related condition. Last evaluated: 2026-08-22. Review status: criteria provided, single submitter. Criteria: ACMG Guidelines, 2015. Collection method: clinical testing. Allele origin: germline.
Comment: The DDX41 c.138+5G>T variant is predicted to interfere with splicing. This variant has been reported in individuals with DDX41-related conditions (Li et al. 2022. PubMed ID: 35671390; Badar et al. 2023. PubMed ID: 37199125). This variant is reported in 0.027% of alleles in individuals of European (Non-Finnish) descent in gnomAD. This variant is interpreted as uncertain in ClinVar (Variation ID: 434923). At this time, the clinical significance of this variant is uncertain due to the absence of conclusive functional and genetic evidence.

Labcorp Genetics (formerly Invitae), Labcorp
Classification: Uncertain significance. Last evaluated: 2026-01-08. Review status: criteria provided, single submitter. Criteria: Invitae Variant Classification Sherloc (09022015). Collection method: clinical testing. Allele origin: germline.
Comment: This sequence change falls in intron 2 of the DDX41 gene. It does not directly change the encoded amino acid sequence of the DDX41 protein. It affects a nucleotide within the consensus splice site. This variant is present in population databases (rs187714514, gnomAD 0.03%), and has an allele count higher than expected for a pathogenic variant. This variant has been observed in individual(s) with DDX41-related conditions (PMID: 35671390, 37199125). ClinVar contains an entry for this variant (Variation ID: 434923). Variants that disrupt the consensus splice site are a relatively common cause of aberrant splicing (PMID: 17576681, 9536098). Algorithms developed to predict the effect of sequence changes on RNA splicing suggest that this variant may disrupt the consensus splice site. In summary, the available evidence is currently insufficient to determine the role of this variant in disease. Therefore, it has been classified as a Variant of Uncertain Significance.

Ambry Genetics
Classification: Uncertain significance for Inborn genetic diseases. Last evaluated: 2025-12-04. Review status: criteria provided, single submitter. Criteria: Ambry Variant Classification Scheme 2023. Collection method: clinical testing. Allele origin: germline.
Comment: The c.138+5G>T intronic variant results from a G to T substitution 5 nucleotides after coding exon 2 in the DDX41 gene. This variant was reported in individual(s) with features consistent with DDX41-related hematologic malignancy conditions (Li P et al. Blood, 2022 Aug;140:716-755; Badar T et al. Haematologica, 2023 Nov;108:3033-3043). This nucleotide position is highly conserved in available vertebrate species. In silico splice site analysis predicts that this alteration may weaken the native splice donor site; however, direct evidence is insufficient at this time (Ambry internal data). Based on the available evidence, the clinical significance of this variant remains unclear.

GeneDx
Classification: Uncertain significance. Last evaluated: 2025-09-11. Review status: criteria provided, single submitter. Criteria: GeneDx Variant Classification Process June 2021. Collection method: clinical testing. Allele origin: germline. Affected: yes.
Comment: Observed in individuals with hematologic malignancies (PMID: 35671390, 37199125); In silico analysis indicates that this variant does not alter splicing; This variant is associated with the following publications: (PMID: 35671390, 37199125)

St. Jude Molecular Pathology, St. Jude Children's Research Hospital
Classification: Uncertain significance for DDX41-related hematologic malignancy predisposition syndrome. Last evaluated: 2025-06-17. Review status: criteria provided, single submitter. Criteria: St. Jude Assertion Criteria 2020. Collection method: clinical testing. Allele origin: germline.
Comment: The DDX41 c.138+5G>T intronic change results from a G to T substitution at the +5 position of intron 2 of the DDX41 gene. Algorithms that predict the impact of sequence changes on splicing indicate that this change may result in loss of the native donor, but internal RNA data demonstrates normal splicing. This variant has a maximum subpopulation frequency of 0.026% in gnomAD v2.1.1. This variant has been reported in individuals with hematologic malignancies (PMID: 35671390, 37199125). In summary, the evidence currently available is insufficient to determine the clinical significance of this variant. It has therefore been classified as of uncertain significance.

Baylor Genetics
Classification: Uncertain significance for DDX41-related hematologic malignancy predisposition syndrome. Last evaluated: 2024-03-30. Review status: criteria provided, single submitter. Criteria: ACMG Guidelines, 2015. Collection method: clinical testing. Allele origin: unknown.

Genetic Services Laboratory, University of Chicago
Classification: Uncertain significance. Last evaluated: 2017-05-26. Review status: criteria provided, single submitter. Criteria: ACMG Guidelines, 2015. Collection method: clinical testing. Allele origin: germline. Affected: no.

Literature cited by the submitters: PubMed 35671390 (cited by Labcorp Genetics (formerly Invitae), Labcorp and Ambry Genetics); PubMed 37199125 (cited by Labcorp Genetics (formerly Invitae), Labcorp and Ambry Genetics); PubMed 17576681 (cited by Labcorp Genetics (formerly Invitae), Labcorp); PubMed 9536098 (cited by Labcorp Genetics (formerly Invitae), Labcorp).

NM_016222.4(DDX41):c.138+5G>T

Gene: DDX41 (DEAD-box helicase 41; minus strand). Cytogenetic location: 5q35.3.
Variant type: single nucleotide variant.
Coding change: c.138+5G>T on transcript NM_016222.4 (MANE Select); 5 bases into the intron after coding-DNA position 138, G replaced by T.
Molecular consequence: intron variant. On other transcripts: 5 prime UTR variant (1).
Genome position (GRCh38, 1-based): chr5:177,516,720, C>A on the plus strand (G>T on the coding strand, the complement: DDX41 is on the minus strand). VCF-style: chr5-177516720-C-A. GRCh37 (hg19) VCF-style: chr5-176943721-C-A.
Other names: c.138+5G>T (LRG_1386t1); c.-513G>T (NM_001321732.2); c.-310+5G>T (NM_001321830.2).
Identifiers: ClinVar variation 434923 (VCV000434923.23), dbSNP rs187714514, ClinGen allele CA3585369.
Genomic context (GRCh38, chr5:177,516,720, plus strand): 5'-GCCACGCCCGCCCCCTGCGACCCCGCGGTCACGGCCCCATCCCTCCCCGGACGCGTGCCC[C>A]TCACCAGTAGCTGCCGGCGCTGCCGTAACGGCACATAGGGCACGTAGTCCTCGTCGTCCT-3'